The following is an entry in ClinVar:

ClinVar aggregate classification (germline): Uncertain significance (1 of 4 stars; one submission).

Conditions:
LRRC45-related disorder. Also called: LRRC45-related condition.

gnomAD v4.1: 26 of 1,612,580 alleles (0.0016%); highest among the groups gnomAD compares: South Asian, 0.0022%; no homozygotes.

Submission:

PreventionGenetics, part of Exact Sciences
Classification: Uncertain significance for LRRC45-related condition. Last evaluated: 2026-04-20. Review status: criteria provided, single submitter. Criteria: ACMG Guidelines, 2015. Collection method: clinical testing. Allele origin: germline.
Comment: The LRRC45 c.1348G>T variant is predicted to result in the amino acid substitution p.Ala450Ser. To our knowledge, this variant has not been reported in the literature. This variant is reported in 0.00089% of alleles in individuals of European (Non-Finnish) descent in gnomAD. At this time, the clinical significance of this variant is uncertain due to the absence of conclusive functional and genetic evidence.

NM_144999.4(LRRC45):c.1348G>T (p.Ala450Ser)

Gene: LRRC45 (leucine rich repeat containing 45; plus strand). Cytogenetic location: 17q25.3.
Variant type: single nucleotide variant.
Coding change: c.1348G>T on transcript NM_144999.4 (MANE Select); coding-DNA position 1348, G replaced by T.
Protein change: p.Ala450Ser; replaces alanine 450 with serine.
Molecular consequence: missense variant.
Genome position (GRCh38, 1-based): chr17:82,029,132, G>T. VCF-style: chr17-82029132-G-T. GRCh37 (hg19) VCF-style: chr17-79987008-G-T.
Other names: short protein forms A450S.
Identifiers: ClinVar variation 4990088 (VCV004990088.1).